The following is an entry in ClinVar:

NM_001134831.2(AHI1):c.2315_2318del (p.Asn772fs)

Gene: AHI1 (Abelson helper integration site 1; minus strand). Cytogenetic location: 6q23.3.
Variant type: Deletion.
Coding change: c.2315_2318del on transcript NM_001134831.2 (MANE Select); coding-DNA positions 2315 to 2318, 4 bases deleted (ATAC; older notation c.2315_2318delATAC).
Protein change: p.Asn772fs; shifts the reading frame from asparagine 772.
Molecular consequence: frameshift variant.
Genome position (GRCh38, 1-based): chr6:135,431,263-135,431,266, GTAT deleted on the plus strand (ATAC on the coding strand, the reverse complement: AHI1 is on the minus strand). VCF-style (leftmost placement, unchanged base first): chr6-135431262-GGTAT-G. GRCh37 (hg19) VCF-style: chr6-135752400-GGTAT-G.
Other names: c.2315_2318del, p.Asn772fs (NM_001134830.2, NM_001134832.2, NM_001350503.2 and 2 more transcripts); short protein forms N772fs.
Identifiers: ClinVar variation 942041 (VCV000942041.8), dbSNP rs1784617227, ClinGen allele CA1139659831.

ClinVar aggregate classification (germline): Pathogenic (1 of 4 stars; one submission).

Conditions:
Joubert syndrome. Also called: Familial aplasia of the vermis; CEREBELLOPARENCHYMAL DISORDER IV; JOUBERT-BOLTSHAUSER SYNDROME. Identifiers: Orphanet 475, MedGen C5979921, MONDO:0018772.

Submission:

Labcorp Genetics (formerly Invitae), Labcorp
Classification: Pathogenic for Joubert syndrome. Last evaluated: 2022-06-04. Review status: criteria provided, single submitter. Criteria: Invitae Variant Classification Sherloc (09022015). Collection method: clinical testing. Allele origin: germline.
Comment: This sequence change creates a premature translational stop signal (p.Asn772Thrfs*17) in the AHI1 gene. It is expected to result in an absent or disrupted protein product. Loss-of-function variants in AHI1 are known to be pathogenic (PMID: 15322546, 16453322, 28442542, 29186038). This variant is not present in population databases (gnomAD no frequency). This variant has not been reported in the literature in individuals affected with AHI1-related conditions. ClinVar contains an entry for this variant (Variation ID: 942041). For these reasons, this variant has been classified as Pathogenic.

Literature cited by the submitters: PubMed 15322546; PubMed 16453322; PubMed 28442542; PubMed 29186038.